The following is an entry in ClinVar:

ClinVar aggregate classification (germline): Uncertain significance (1 of 4 stars; one submission).

Conditions:
Familial cold autoinflammatory syndrome 3 (FCAS3). Also called: ANTIBODY DEFICIENCY AND IMMUNE DYSREGULATION, PLCG2-ASSOCIATED; FAMILIAL ATYPICAL COLD URTICARIA. Identifiers: Orphanet 300359, MedGen C3280914, MONDO:0013766, OMIM 614468.

Allele frequency attached by ClinVar (database versions not stated): gnomAD exomes below 0.00001; TOPMed below 0.00001.
gnomAD v4.1: 6 of 1,614,096 alleles (0.00037%); highest among the groups gnomAD compares: South Asian, 0.0011%; no homozygotes.

Submission:

Labcorp Genetics (formerly Invitae), Labcorp
Classification: Uncertain significance for Familial cold autoinflammatory syndrome 3. Last evaluated: 2025-05-03. Review status: criteria provided, single submitter. Criteria: Invitae Variant Classification Sherloc (09022015). Collection method: clinical testing. Allele origin: germline.
Comment: This sequence change replaces arginine, which is basic and polar, with histidine, which is basic and polar, at codon 732 of the PLCG2 protein (p.Arg732His). This variant is not present in population databases (gnomAD no frequency). This variant has not been reported in the literature in individuals affected with PLCG2-related conditions. ClinVar contains an entry for this variant (Variation ID: 2976143). An algorithm developed to predict the effect of missense changes on protein structure and function (PolyPhen-2) suggests that this variant is likely to be disruptive. In summary, the available evidence is currently insufficient to determine the role of this variant in disease. Therefore, it has been classified as a Variant of Uncertain Significance.

NM_002661.5(PLCG2):c.2195G>A (p.Arg732His)

Gene: PLCG2 (phospholipase C gamma 2; plus strand). Cytogenetic location: 16q23.3.
Variant type: single nucleotide variant.
Coding change: c.2195G>A on transcript NM_002661.5 (MANE Select); coding-DNA position 2195, G replaced by A.
Protein change: p.Arg732His; replaces arginine 732 with histidine.
Molecular consequence: missense variant.
Genome position (GRCh38, 1-based): chr16:81,919,624, G>A. VCF-style: chr16-81919624-G-A. GRCh37 (hg19) VCF-style: chr16-81953229-G-A.
Other names: c.2195G>A, p.Arg732His (NM_001425751.1, NM_001425749.1, NM_001425750.1); short protein forms R732H.
Identifiers: ClinVar variation 2976143 (VCV002976143.3), dbSNP rs1909980308, ClinGen allele CA396902102.